The following is an entry in ClinVar:

NM_001378454.1(ALMS1):c.1135A>G (p.Asn379Asp)

Gene: ALMS1 (ALMS1 centrosome and basal body associated protein; plus strand). Cytogenetic location: 2p13.1.
Variant type: single nucleotide variant.
Coding change: c.1135A>G on transcript NM_001378454.1 (MANE Select); coding-DNA position 1135, A replaced by G.
Protein change: p.Asn379Asp; replaces asparagine 379 with aspartic acid.
Molecular consequence: missense variant.
Genome position (GRCh38, 1-based): chr2:73,424,800, A>G. VCF-style: chr2-73424800-A-G. GRCh37 (hg19) VCF-style: chr2-73651928-A-G.
Other names: c.1138A>G, p.Asn380Asp (NM_015120.4); short protein forms N379D, N380D.
Identifiers: ClinVar variation 4988051 (VCV004988051.1), dbSNP rs1671347836.

ClinVar aggregate classification (germline): Uncertain significance (1 of 4 stars; one submission).

Conditions:
ALMS1-related disorder. Also called: ALMS1-related condition.

Allele frequency attached by ClinVar (database versions not stated): gnomAD exomes below 0.00001.
gnomAD v4.1: 1 of 1,612,050 alleles (0.000062%); highest among the groups gnomAD compares: Non-Finnish European, 0.000085%; no homozygotes.

Submission:

PreventionGenetics, part of Exact Sciences
Classification: Uncertain significance for ALMS1-related condition. Last evaluated: 2026-09-21. Review status: criteria provided, single submitter. Criteria: ACMG Guidelines, 2015. Collection method: clinical testing. Allele origin: germline.
Comment: The ALMS1 c.1138A>G variant is predicted to result in the amino acid substitution p.Ile380Val. To our knowledge, this variant has not been reported in the literature or in a large population database (gnomAD), indicating this variant is rare. At this time, the clinical significance of this variant is uncertain due to the absence of conclusive functional and genetic evidence.